The following is an entry in ClinVar:

NM_018979.4(WNK1):c.5365-1G>A

Gene: WNK1 (WNK lysine deficient protein kinase 1; plus strand). Cytogenetic location: 12p13.33.
Variant type: single nucleotide variant.
Coding change: c.5365-1G>A on transcript NM_018979.4 (MANE Select); the canonical splice acceptor site of the intron before coding-DNA position 5365, G replaced by A.
Molecular consequence: splice acceptor variant.
Genome position (GRCh38, 1-based): chr12:889,139, G>A. VCF-style: chr12-889139-G-A. GRCh37 (hg19) VCF-style: chr12-998305-G-A.
Other names: c.6121-1G>A (NM_213655.5); c.6145-1G>A (NM_001184985.2); c.4624-1G>A (NM_014823.3).
Identifiers: ClinVar variation 4787540 (VCV004787540.1).

ClinVar aggregate classification (germline): Likely pathogenic (1 of 4 stars; one submission).

Conditions:
Neuropathy, hereditary sensory and autonomic, type 2A (HSAN2A). Also called: WNK1-Related HSAN2 (HSAN2A); ACROOSTEOLYSIS, GIACCAI TYPE; ACROOSTEOLYSIS, NEUROGENIC; MORVAN DISEASE; NEUROPATHY, CONGENITAL SENSORY; NEUROPATHY, HEREDITARY SENSORY RADICULAR, AUTOSOMAL RECESSIVE. Identifiers: Orphanet 970, MedGen C2752089, MONDO:0024309, OMIM 201300.
Pseudohypoaldosteronism type 2C (PHA2C). Also called: Pseudohypoaldosteronism Type IIC. Identifiers: Orphanet 757, Orphanet 88940, MedGen C1840391, MONDO:0013778, OMIM 614492.

gnomAD v4.1: 6 of 1,613,782 alleles (0.00037%); highest among the groups gnomAD compares: Admixed American, 0.01%; no homozygotes.

Submission:

Labcorp Genetics (formerly Invitae), Labcorp
Classification: Likely pathogenic for Neuropathy, hereditary sensory and autonomic, type 2A; Pseudohypoaldosteronism type 2C. Last evaluated: 2026-01-19. Review status: criteria provided, single submitter. Criteria: Invitae Variant Classification Sherloc (09022015). Collection method: clinical testing. Allele origin: germline.
Comment: This sequence change affects an acceptor splice site in intron 20 of the WNK1 gene. It is expected to disrupt RNA splicing. Variants that disrupt the donor or acceptor splice site typically lead to a loss of protein function (PMID: 16199547), and loss-of-function variants in WNK1 are known to be pathogenic (PMID: 22910560). This variant is present in population databases (no rsID available, gnomAD 0.01%). This variant has not been reported in the literature in individuals affected with WNK1-related conditions. Algorithms developed to predict the effect of sequence changes on RNA splicing suggest that this variant may disrupt the consensus splice site. In summary, the currently available evidence indicates that the variant is pathogenic, but additional data are needed to prove that conclusively. Therefore, this variant has been classified as Likely Pathogenic.

Literature cited by the submitters: PubMed 16199547; PubMed 22910560.